The following is an entry in ClinVar:

NM_001037333.3(CYFIP2):c.3271A>G (p.Met1091Val)

Genes: CYFIP2 (cytoplasmic FMR1 interacting protein 2; plus strand), NIPAL4-DT (NIPAL4 divergent transcript; minus strand). Cytogenetic location: 5q33.3.
Variant type: single nucleotide variant.
Coding change: c.3271A>G on transcript NM_001037333.3 (MANE Select); coding-DNA position 3271, A replaced by G.
Protein change: p.Met1091Val; replaces methionine 1091 with valine.
Molecular consequence: missense variant.
Genome position (GRCh38, 1-based): chr5:157,389,252, A>G. VCF-style: chr5-157389252-A-G. GRCh37 (hg19) VCF-style: chr5-156816260-A-G.
Other names: c.3193A>G, p.Met1065Val (NM_001291721.2); c.3346A>G, p.Met1116Val (NM_001291722.2); c.3271A>G, p.Met1091Val (NM_014376.4); short protein forms M1091V, M1116V, M1065V.
Identifiers: ClinVar variation 2127418 (VCV002127418.4), dbSNP rs1205335914, ClinGen allele CA361982027.

ClinVar aggregate classification (germline): Uncertain significance (1 of 4 stars; one submission).

Allele frequency attached by ClinVar (database versions not stated): gnomAD exomes below 0.00001.

Submission:

Labcorp Genetics (formerly Invitae), Labcorp
Classification: Uncertain significance. Last evaluated: 2022-04-17. Review status: criteria provided, single submitter. Criteria: Invitae Variant Classification Sherloc (09022015). Collection method: clinical testing. Allele origin: germline.
Comment: This variant has not been reported in the literature in individuals affected with CYFIP2-related conditions. In summary, the available evidence is currently insufficient to determine the role of this variant in disease. Therefore, it has been classified as a Variant of Uncertain Significance. Algorithms developed to predict the effect of missense changes on protein structure and function are either unavailable or do not agree on the potential impact of this missense change (SIFT: "Tolerated"; PolyPhen-2: "Not Available"; Align-GVGD: "Class C0"). This variant is present in population databases (no rsID available, gnomAD 0.007%). This sequence change replaces methionine, which is neutral and non-polar, with valine, which is neutral and non-polar, at codon 1091 of the CYFIP2 protein (p.Met1091Val).